The following is an entry in ClinVar:

ClinVar aggregate classification (germline): Uncertain significance (1 of 4 stars; one submission).

Conditions:
Autosomal dominant Parkinson disease 8. Also called: LRRK2-Related Parkinson Disease; Parkinson disease 8; Parkinson disease 8, susceptibility to. Identifiers: Orphanet 411602, MedGen C1846862, MONDO:0011764, OMIM 607060.

gnomAD v4.1: 1 of 1,613,526 alleles (0.000062%); highest among the groups gnomAD compares: Admixed American, 0.0017%; no homozygotes.

Submission:

Labcorp Genetics (formerly Invitae), Labcorp
Classification: Uncertain significance for Autosomal dominant Parkinson disease 8. Last evaluated: 2025-12-26. Review status: criteria provided, single submitter. Criteria: Invitae Variant Classification Sherloc (09022015). Collection method: clinical testing. Allele origin: germline.
Comment: This sequence change replaces aspartic acid, which is acidic and polar, with glutamic acid, which is acidic and polar, at codon 1296 of the LRRK2 protein (p.Asp1296Glu). This variant is present in population databases (rs767484970, gnomAD 0.003%). This variant has not been reported in the literature in individuals affected with LRRK2-related conditions. Invitae Evidence Modeling of protein sequence and biophysical properties (such as structural, functional, and spatial information, amino acid conservation, physicochemical variation, residue mobility, and thermodynamic stability) has been performed for this missense variant. However, the output from this modeling did not meet the statistical confidence thresholds required to predict the impact of this variant on LRRK2 protein function. In summary, the available evidence is currently insufficient to determine the role of this variant in disease. Therefore, it has been classified as a Variant of Uncertain Significance.

NM_198578.4(LRRK2):c.3888T>A (p.Asp1296Glu)

Gene: LRRK2 (leucine rich repeat kinase 2; plus strand). Cytogenetic location: 12q12.
Variant type: single nucleotide variant.
Coding change: c.3888T>A on transcript NM_198578.4 (MANE Select); coding-DNA position 3888, T replaced by A.
Protein change: p.Asp1296Glu; replaces aspartic acid 1296 with glutamic acid.
Molecular consequence: missense variant.
Genome position (GRCh38, 1-based): chr12:40,305,895, T>A. VCF-style: chr12-40305895-T-A. GRCh37 (hg19) VCF-style: chr12-40699697-T-A.
Other names: short protein forms D1296E.
Identifiers: ClinVar variation 4762060 (VCV004762060.1).